The following is an entry in ClinVar:

ClinVar aggregate classification (germline): Likely benign (1 of 4 stars; one submission).

Conditions:
Malignant hyperthermia, susceptibility to, 5 (MHS5). Also called: CACNA1S-Related Malignant Hyperthermia Susceptibility. Identifiers: Orphanet 423, MedGen C1866077, MONDO:0011163, OMIM 601887.

Allele frequency attached by ClinVar (database versions not stated): gnomAD exomes below 0.00001.
gnomAD v4.1: 1 of 1,614,062 alleles (0.000062%); no homozygotes.

Submission:

All of Us Research Program, National Institutes of Health
Classification: Likely benign for Malignant hyperthermia, susceptibility to, 5. Last evaluated: 2024-02-05. Review status: criteria provided, single submitter. Criteria: ACMG Guidelines, 2015. Collection method: clinical testing. Allele origin: germline. Inheritance: Autosomal dominant inheritance. Observed: 1 variant allele, 1 heterozygote.
Comment: This study involves interpretation of variants in research participants for the purpose of population health screening. Participant phenotype was not available at the time of variant classification. Additional details can be found in publication PMID: 35346344, PMCID: PMC8962531

NM_000069.3(CACNA1S):c.480T>C (p.Asp160=)

Gene: CACNA1S (calcium voltage-gated channel subunit alpha1 S; minus strand). Cytogenetic location: 1q32.1.
Variant type: single nucleotide variant.
Coding change: c.480T>C on transcript NM_000069.3 (MANE Select); coding-DNA position 480, T replaced by C.
Protein change: p.Asp160=; no amino-acid change (aspartic acid 160 retained).
Molecular consequence: synonymous variant.
Genome position (GRCh38, 1-based): chr1:201,092,033, A>G on the plus strand (T>C on the coding strand, the complement: CACNA1S is on the minus strand). VCF-style: chr1-201092033-A-G. GRCh37 (hg19) VCF-style: chr1-201061161-A-G.
Identifiers: ClinVar variation 3075483 (VCV003075483.1), dbSNP rs2464625627, ClinGen allele CA422815495.